The following is an entry in ClinVar:

ClinVar aggregate classification (germline): Uncertain significance (1 of 4 stars; one submission).

Submission:

GeneDx
Classification: Uncertain significance. Last evaluated: 2023-02-13. Review status: criteria provided, single submitter. Criteria: GeneDx Variant Classification Process June 2021. Collection method: clinical testing. Allele origin: germline. Affected: yes.
Comment: Not observed at significant frequency in large population cohorts (gnomAD); In silico analysis supports that this missense variant has a deleterious effect on protein structure/function; Has not been previously published as pathogenic or benign to our knowledge

NM_001378615.1(CC2D2A):c.3989G>T (p.Arg1330Leu)

Genes: CC2D2A (coiled-coil and C2 domain containing 2A; plus strand), FBXL5 (F-box and leucine rich repeat protein 5; minus strand). Cytogenetic location: 4p15.32.
Variant type: single nucleotide variant.
Coding change: c.3989G>T on transcript NM_001378615.1 (MANE Select); coding-DNA position 3989, G replaced by T.
Protein change: p.Arg1330Leu; replaces arginine 1330 with leucine.
Molecular consequence: missense variant.
Genome position (GRCh38, 1-based): chr4:15,586,170, G>T. VCF-style: chr4-15586170-G-T. GRCh37 (hg19) VCF-style: chr4-15587793-G-T.
Other names: c.3989G>T, p.Arg1330Leu (NM_001080522.2); c.3842G>T, p.Arg1281Leu (NM_001378617.1); short protein forms R1281L, R1330L.
Identifiers: ClinVar variation 2575632 (VCV002575632.1), dbSNP rs763486732, ClinGen allele CA356428235.